The following is an entry in ClinVar:

ClinVar aggregate classification (germline): Uncertain significance. Review status: criteria provided, multiple submitters, no conflicts (2 of 4 stars). 2 submissions from 2 submitters: Uncertain significance (2). Last evaluated 2025-12-11.

Conditions:
Charcot-Marie-Tooth disease type 2R. Also called: CHARCOT-MARIE-TOOTH DISEASE, AXONAL, AUTOSOMAL RECESSIVE, TYPE 2R; CHARCOT-MARIE-TOOTH NEUROPATHY, TYPE 2R; Charcot-Marie-Tooth disease, axonal, type 2R. Identifiers: Orphanet 397968, MedGen C3809655, MONDO:0014208, OMIM 615490.

Allele frequency attached by ClinVar (database versions not stated): TOPMed 0.00002.
gnomAD v4.1: 25 of 1,613,970 alleles (0.0015%); highest among the groups gnomAD compares: Admixed American, 0.005%; 1 homozygote.

Submissions (2):

Ambry Genetics
Classification: Uncertain significance. Last evaluated: 2025-12-11. Review status: criteria provided, single submitter. Criteria: Ambry Variant Classification Scheme 2023. Collection method: clinical testing. Allele origin: germline.

Labcorp Genetics (formerly Invitae), Labcorp
Classification: Uncertain significance for Charcot-Marie-Tooth disease type 2R. Last evaluated: 2025-11-01. Review status: criteria provided, single submitter. Criteria: Invitae Variant Classification Sherloc (09022015). Collection method: clinical testing. Allele origin: germline.
Comment: This sequence change replaces alanine, which is neutral and non-polar, with valine, which is neutral and non-polar, at codon 112 of the TRIM2 protein (p.Ala112Val). This variant is present in population databases (no rsID available, gnomAD 0.007%). This variant has not been reported in the literature in individuals affected with TRIM2-related conditions. ClinVar contains an entry for this variant (Variation ID: 1053003). An algorithm developed to predict the effect of missense changes on protein structure and function (PolyPhen-2) suggests that this variant is likely to be tolerated. In summary, the available evidence is currently insufficient to determine the role of this variant in disease. Therefore, it has been classified as a Variant of Uncertain Significance.

NM_015271.5(TRIM2):c.416C>T (p.Ala139Val)

Gene: TRIM2 (tripartite motif containing 2; plus strand). Cytogenetic location: 4q31.3.
Variant type: single nucleotide variant.
Coding change: c.416C>T on transcript NM_015271.5 (MANE Select); coding-DNA position 416, C replaced by T.
Protein change: p.Ala139Val; replaces alanine 139 with valine.
Molecular consequence: missense variant. On other transcripts: 5 prime UTR variant (1).
Genome position (GRCh38, 1-based): chr4:153,276,093, C>T. VCF-style: chr4-153276093-C-T. GRCh37 (hg19) VCF-style: chr4-154197245-C-T.
Other names: c.335C>T, p.Ala112Val (NM_001130067.2, NM_001351056.2, NM_001375512.1 and 5 more transcripts); c.416C>T, p.Ala139Val (NM_001302692.2, NM_001375488.1, NM_001375490.1 and 1 more transcripts); c.413C>T, p.Ala138Val (NM_001302693.2, NM_001375489.1, NM_001375491.1 and 1 more transcripts); c.389C>T, p.Ala130Val (NM_001302694.2, NM_001351054.2); c.386C>T, p.Ala129Val (NM_001351055.2); c.-142C>T (NM_001351057.2); c.77C>T, p.Ala26Val (NM_001375522.1, NM_001375523.1, NM_001375525.1); c.416C>T (NM_015271.3); short protein forms A112V, A129V, A130V, A138V, A139V, A26V.
Identifiers: ClinVar variation 1053003 (VCV001053003.10), dbSNP rs1012146710, ClinGen allele CA107904475.
Genomic context (GRCh38, chr4:153,276,093, plus strand): 5'-GAACTCCAGGCAGCAACGCTGAGGAGTCTTCCATCCTGGAGACAGTCACTGCTGTGGCTG[C>T]GGGAAAGCCTCTCTCTTGCCCAAACCACGATGGGAATGTAAGTGGCTGGGATGGCAGATA-3'
Protein context (NP_056086.2, residues 129-149): SILETVTAVA[Ala139Val]GKPLSCPNHD